The following is an entry in ClinVar:

NM_005677.4(COLQ):c.37C>G (p.Leu13Val)

Gene: COLQ (collagen like tail subunit of asymmetric acetylcholinesterase; minus strand). Cytogenetic location: 3p25.1.
Variant type: single nucleotide variant.
Coding change: c.37C>G on transcript NM_005677.4 (MANE Select); coding-DNA position 37, C replaced by G.
Protein change: p.Leu13Val; replaces leucine 13 with valine.
Molecular consequence: missense variant.
Genome position (GRCh38, 1-based): chr3:15,521,589, G>C on the plus strand (C>G on the coding strand, the complement: COLQ is on the minus strand). VCF-style: chr3-15521589-G-C. GRCh37 (hg19) VCF-style: chr3-15563096-G-C.
Other names: c.37C>G, p.Leu13Val (NM_080539.4); short protein forms L13V.
Identifiers: ClinVar variation 1382029 (VCV001382029.6), dbSNP rs770933718, ClinGen allele CA2276398.

ClinVar aggregate classification (germline): Uncertain significance (1 of 4 stars; one submission).

Conditions:
Congenital myasthenic syndrome 5. Identifiers: Orphanet 590, MedGen C1864233, MONDO:0011281, OMIM 603034.

Allele frequency attached by ClinVar (database versions not stated): gnomAD exomes below 0.00001; ExAC 0.00001.
gnomAD v4.1: 1 of 1,614,222 alleles (0.000062%); highest among the groups gnomAD compares: Admixed American, 0.0017%; no homozygotes.

Submission:

Labcorp Genetics (formerly Invitae), Labcorp
Classification: Uncertain significance for Congenital myasthenic syndrome 5. Last evaluated: 2022-02-22. Review status: criteria provided, single submitter. Criteria: Invitae Variant Classification Sherloc (09022015). Collection method: clinical testing. Allele origin: germline.
Comment: This sequence change replaces leucine, which is neutral and non-polar, with valine, which is neutral and non-polar, at codon 13 of the COLQ protein (p.Leu13Val). This variant is present in population databases (rs770933718, gnomAD 0.003%). This variant has not been reported in the literature in individuals affected with COLQ-related conditions. Algorithms developed to predict the effect of missense changes on protein structure and function are either unavailable or do not agree on the potential impact of this missense change (SIFT: "Deleterious"; PolyPhen-2: "Possibly Damaging"; Align-GVGD: "Class C0"). In summary, the available evidence is currently insufficient to determine the role of this variant in disease. Therefore, it has been classified as a Variant of Uncertain Significance.